The following is an entry in ClinVar:

NM_015378.4(VPS13D):c.5857G>A (p.Gly1953Arg)

Gene: VPS13D (vacuolar protein sorting 13 homolog D; plus strand). Cytogenetic location: 1p36.22.
Variant type: single nucleotide variant.
Coding change: c.5857G>A on transcript NM_015378.4 (MANE Select); coding-DNA position 5857, G replaced by A.
Protein change: p.Gly1953Arg; replaces glycine 1953 with arginine.
Molecular consequence: missense variant.
Genome position (GRCh38, 1-based): chr1:12,293,528, G>A. VCF-style: chr1-12293528-G-A. GRCh37 (hg19) VCF-style: chr1-12353585-G-A.
Other names: c.5857G>A, p.Gly1953Arg (NM_018156.4); short protein forms G1953R.
Identifiers: ClinVar variation 1907038 (VCV001907038.3), dbSNP rs1406457317, ClinGen allele CA338487432.

ClinVar aggregate classification (germline): Uncertain significance (1 of 4 stars; one submission).

Allele frequency attached by ClinVar (database versions not stated): gnomAD exomes 0.00001; gnomAD 0.00002; TOPMed 0.00003.
gnomAD v4.1: 10 of 1,597,766 alleles (0.00063%); highest among the groups gnomAD compares: African/African-American, 0.0027%; no homozygotes.

Submission:

Labcorp Genetics (formerly Invitae), Labcorp
Classification: Uncertain significance. Last evaluated: 2022-05-16. Review status: criteria provided, single submitter. Criteria: Invitae Variant Classification Sherloc (09022015). Collection method: clinical testing. Allele origin: germline.
Comment: This sequence change replaces glycine, which is neutral and non-polar, with arginine, which is basic and polar, at codon 1953 of the VPS13D protein (p.Gly1953Arg). The frequency data for this variant in the population databases is considered unreliable, as metrics indicate poor data quality at this position in the gnomAD database. This variant has not been reported in the literature in individuals affected with VPS13D-related conditions. Algorithms developed to predict the effect of missense changes on protein structure and function are either unavailable or do not agree on the potential impact of this missense change (SIFT: "Not Available"; PolyPhen-2: "Probably Damaging"; Align-GVGD: "Not Available"). In summary, the available evidence is currently insufficient to determine the role of this variant in disease. Therefore, it has been classified as a Variant of Uncertain Significance.